The following is an entry in ClinVar:

ClinVar aggregate classification (germline): Uncertain significance (1 of 4 stars; one submission).

Submission:

Labcorp Genetics (formerly Invitae), Labcorp
Classification: Uncertain significance. Last evaluated: 2024-02-10. Review status: criteria provided, single submitter. Criteria: Invitae Variant Classification Sherloc (09022015). Collection method: clinical testing. Allele origin: germline.
Comment: This sequence change replaces leucine, which is neutral and non-polar, with serine, which is neutral and polar, at codon 69 of the CLCN7 protein (p.Leu69Ser). This variant is not present in population databases (gnomAD no frequency). This variant has not been reported in the literature in individuals affected with CLCN7-related conditions. Advanced modeling of protein sequence and biophysical properties (such as structural, functional, and spatial information, amino acid conservation, physicochemical variation, residue mobility, and thermodynamic stability) performed at Invitae indicates that this missense variant is not expected to disrupt CLCN7 protein function with a negative predictive value of 95%. In summary, the available evidence is currently insufficient to determine the role of this variant in disease. Therefore, it has been classified as a Variant of Uncertain Significance.

NM_001287.6(CLCN7):c.206T>C (p.Leu69Ser)

Gene: CLCN7 (chloride voltage-gated channel 7; minus strand). Cytogenetic location: 16p13.3.
Variant type: single nucleotide variant.
Coding change: c.206T>C on transcript NM_001287.6 (MANE Select); coding-DNA position 206, T replaced by C.
Protein change: p.Leu69Ser; replaces leucine 69 with serine.
Molecular consequence: missense variant. On other transcripts: intron variant (1).
Genome position (GRCh38, 1-based): chr16:1,465,274, A>G on the plus strand (T>C on the coding strand, the complement: CLCN7 is on the minus strand). VCF-style: chr16-1465274-A-G. GRCh37 (hg19) VCF-style: chr16-1515275-A-G.
Other names: c.142-3600T>C (NM_001114331.3); short protein forms L69S.
Identifiers: ClinVar variation 3684949 (VCV003684949.2).